The following is an entry in ClinVar:

NM_003900.5(SQSTM1):c.1090C>T (p.Pro364Ser)

Gene: SQSTM1 (sequestosome 1; plus strand). Cytogenetic location: 5q35.3.
Variant type: single nucleotide variant.
Coding change: c.1090C>T on transcript NM_003900.5 (MANE Select); coding-DNA position 1090, C replaced by T.
Protein change: p.Pro364Ser; replaces proline 364 with serine.
Molecular consequence: missense variant.
Genome position (GRCh38, 1-based): chr5:179,833,707, C>T. VCF-style: chr5-179833707-C-T. GRCh37 (hg19) VCF-style: chr5-179260707-C-T.
Other names: c.838C>T, p.Pro280Ser (NM_001142298.2, NM_001142299.2); short protein forms P364S, P280S.
Identifiers: ClinVar variation 1465526 (VCV001465526.6), dbSNP rs776303544, ClinGen allele CA3600796.

ClinVar aggregate classification (germline): Uncertain significance (1 of 4 stars; one submission).

Conditions:
Paget disease of bone 2, early-onset (PDB2). Also called: Paget disease of bone 2. Identifiers: MedGen C4085251, MONDO:0011183, OMIM 602080.
Frontotemporal dementia and/or amyotrophic lateral sclerosis 1 (FTDALS1). Also called: Frontotemporal dementia with motor neuron disease 1; C9orf72 Frontotemporal Dementia and/or Amyotrophic Lateral Sclerosis. Identifiers: Orphanet 275872, MedGen C5779877, MONDO:0007105, OMIM 105550.

Allele frequency attached by ClinVar (database versions not stated): gnomAD exomes below 0.00001 and 0.00001; ExAC 0.00001.
gnomAD v4.1: 1 of 1,614,146 alleles (0.000062%); highest among the groups gnomAD compares: Admixed American, 0.0017%; no homozygotes.

Submission:

Labcorp Genetics (formerly Invitae), Labcorp
Classification: Uncertain significance for Paget disease of bone 2, early-onset; Frontotemporal dementia and/or amyotrophic lateral sclerosis 1. Last evaluated: 2025-07-03. Review status: criteria provided, single submitter. Criteria: Invitae Variant Classification Sherloc (09022015). Collection method: clinical testing. Allele origin: germline.
Comment: This sequence change replaces proline, which is neutral and non-polar, with serine, which is neutral and polar, at codon 364 of the SQSTM1 protein (p.Pro364Ser). This variant is present in population databases (rs776303544, gnomAD 0.003%). This missense change has been observed in individual(s) with Paget disease of bone (PMID: 19257822). ClinVar contains an entry for this variant (Variation ID: 1465526). Invitae Evidence Modeling of protein sequence and biophysical properties (such as structural, functional, and spatial information, amino acid conservation, physicochemical variation, residue mobility, and thermodynamic stability) indicates that this missense variant is not expected to disrupt SQSTM1 protein function with a negative predictive value of 80%. Experimental studies have shown that this missense change affects SQSTM1 function (PMID: 19257822). In summary, the available evidence is currently insufficient to determine the role of this variant in disease. Therefore, it has been classified as a Variant of Uncertain Significance.

Literature cited by the submitters: PubMed 19257822.